The following is an entry in ClinVar:

ClinVar aggregate classification (germline): Uncertain significance (1 of 4 stars; one submission).

Conditions:
Hereditary spastic paraplegia 7 (SPG7). Also called: SPG7-related neurologic disorder; Autosomal recessive spastic paraplegia type 7; Spastic paraplegia 7; Hereditary spastic paraplegia Paraplegin type; SPASTIC PARAPLEGIA 7, AUTOSOMAL RECESSIVE, WITH OR WITHOUT CEREBELLAR ATAXIA. Identifiers: Orphanet 99013, MedGen C1846564, MONDO:0011803, OMIM 607259.

Allele frequency attached by ClinVar (database versions not stated): gnomAD 0.00001.
gnomAD v4.1: 5 of 1,613,988 alleles (0.00031%); highest among the groups gnomAD compares: Non-Finnish European, 0.00042%; no homozygotes.

Submission:

Labcorp Genetics (formerly Invitae), Labcorp
Classification: Uncertain significance for Hereditary spastic paraplegia 7. Last evaluated: 2022-06-11. Review status: criteria provided, single submitter. Criteria: Invitae Variant Classification Sherloc (09022015). Collection method: clinical testing. Allele origin: germline.
Comment: In summary, the available evidence is currently insufficient to determine the role of this variant in disease. Therefore, it has been classified as a Variant of Uncertain Significance. Advanced modeling of protein sequence and biophysical properties (such as structural, functional, and spatial information, amino acid conservation, physicochemical variation, residue mobility, and thermodynamic stability) performed at Invitae indicates that this missense variant is expected to disrupt SPG7 protein function. This variant has not been reported in the literature in individuals affected with SPG7-related conditions. This variant is present in population databases (no rsID available, gnomAD 0.0009%). This sequence change replaces proline, which is neutral and non-polar, with histidine, which is basic and polar, at codon 751 of the SPG7 protein (p.Pro751His).

NM_003119.4(SPG7):c.2252C>A (p.Pro751His)

Gene: SPG7 (SPG7 matrix AAA peptidase subunit, paraplegin; plus strand). Cytogenetic location: 16q24.3.
Variant type: single nucleotide variant.
Coding change: c.2252C>A on transcript NM_003119.4 (MANE Select); coding-DNA position 2252, C replaced by A.
Protein change: p.Pro751His; replaces proline 751 with histidine.
Molecular consequence: missense variant. On other transcripts: 3 prime UTR variant (1).
Genome position (GRCh38, 1-based): chr16:89,556,957, C>A. VCF-style: chr16-89556957-C-A. GRCh37 (hg19) VCF-style: chr16-89623365-C-A.
Other names: c.*30C>A (NM_001363850.1); short protein forms P751H.
Identifiers: ClinVar variation 1896610 (VCV001896610.5), dbSNP rs1379001117, ClinGen allele CA397417705.